The following is an entry in ClinVar:

ClinVar aggregate classification (germline): Uncertain significance (1 of 4 stars; one submission).

Conditions:
Brachyolmia-amelogenesis imperfecta syndrome. Also called: Tooth agenesis, selective, 6; Dental anomalies and short stature; PLATYSPONDYLY WITH AMELOGENESIS IMPERFECTA. Identifiers: Orphanet 2899, MedGen C1832594, MONDO:0011018, OMIM 601216. Disease mechanism: loss of function.

gnomAD v4.1: 14 of 1,323,116 alleles (0.0011%); highest among the groups gnomAD compares: Non-Finnish European, 0.0014%; no homozygotes.

Submission:

Labcorp Genetics (formerly Invitae), Labcorp
Classification: Uncertain significance for Brachyolmia-amelogenesis imperfecta syndrome. Last evaluated: 2025-12-29. Review status: criteria provided, single submitter. Criteria: Invitae Variant Classification Sherloc (09022015). Collection method: clinical testing. Allele origin: germline.
Comment: This sequence change replaces leucine, which is neutral and non-polar, with valine, which is neutral and non-polar, at codon 29 of the LTBP3 protein (p.Leu29Val). This variant is not present in population databases (gnomAD no frequency). This variant has not been reported in the literature in individuals affected with LTBP3-related conditions. Experimental studies and prediction algorithms are not available or were not evaluated, and the functional significance of this variant is currently unknown. In summary, the available evidence is currently insufficient to determine the role of this variant in disease. Therefore, it has been classified as a Variant of Uncertain Significance.

NM_001130144.3(LTBP3):c.85C>G (p.Leu29Val)

Gene: LTBP3 (latent transforming growth factor beta binding protein 3; minus strand). Cytogenetic location: 11q13.1.
Variant type: single nucleotide variant.
Coding change: c.85C>G on transcript NM_001130144.3 (MANE Select); coding-DNA position 85, C replaced by G.
Protein change: p.Leu29Val; replaces leucine 29 with valine.
Molecular consequence: missense variant. On other transcripts: 5 prime UTR variant (1).
Genome position (GRCh38, 1-based): chr11:65,557,875, G>C on the plus strand (C>G on the coding strand, the complement: LTBP3 is on the minus strand). VCF-style: chr11-65557875-G-C. GRCh37 (hg19) VCF-style: chr11-65325346-G-C.
Other names: c.-263C>G (NM_001164266.1); c.85C>G, p.Leu29Val (NM_021070.4); short protein forms L29V.
Identifiers: ClinVar variation 4745963 (VCV004745963.1).